The following is an entry in ClinVar:

ClinVar aggregate classification (germline): Likely benign. Review status: criteria provided, single submitter (1 of 4 stars). 2 submissions from 2 submitters: Likely benign (1). 1 of the submissions does not count toward it. Last evaluated 2023-04-01.

Conditions:
SEMA5A-related disorder. Also called: SEMA5A-related condition.

Allele frequency attached by ClinVar (database versions not stated): 1000 Genomes Project 30x 0.00016; 1000 Genomes Project 0.00020; TOPMed 0.00039; ESP Exome Variant Server 0.00062.
gnomAD v4.1: 1,146 of 1,613,966 alleles (0.071%); highest among the groups gnomAD compares: Non-Finnish European, 0.062%; 2 homozygotes.

Submissions (2):

CeGaT Center for Human Genetics Tuebingen
Classification: Likely benign. Last evaluated: 2023-04-01. Review status: criteria provided, single submitter. Criteria: CeGaT Center For Human Genetics Tuebingen Variant Classification Criteria Version 2. Collection method: clinical testing. Allele origin: germline. Affected: yes. Observed: 2 variant alleles.
Comment: SEMA5A: BP4, BP7

PreventionGenetics, part of Exact Sciences
Classification: Benign for SEMA5A-related condition. Last evaluated: 2019-03-01. Review status: no assertion criteria provided. Collection method: clinical testing. Allele origin: germline. Not counted in ClinVar's aggregate classification.
Comment: This variant is classified as benign based on ACMG/AMP sequence variant interpretation guidelines (Richards et al. 2015 PMID: 25741868, with internal and published modifications).

NM_003966.3(SEMA5A):c.3039C>T (p.Pro1013=)

Gene: SEMA5A (semaphorin 5A; minus strand). Cytogenetic location: 5p15.31.
Variant type: single nucleotide variant.
Coding change: c.3039C>T on transcript NM_003966.3 (MANE Select); coding-DNA position 3039, C replaced by T.
Protein change: p.Pro1013=; no amino-acid change (proline 1013 retained).
Molecular consequence: synonymous variant.
Genome position (GRCh38, 1-based): chr5:9,044,439, G>A on the plus strand (C>T on the coding strand, the complement: SEMA5A is on the minus strand). VCF-style: chr5-9044439-G-A. GRCh37 (hg19) VCF-style: chr5-9044551-G-A.
Other names: c.3039C>T (NM_003966.2).
Identifiers: ClinVar variation 2655293 (VCV002655293.25), dbSNP rs139191700, ClinGen allele CA3196212.